The following is an entry in ClinVar:

ClinVar aggregate classification (germline): Uncertain significance. Review status: criteria provided, multiple submitters, no conflicts (2 of 4 stars). 2 submissions from 2 submitters: Uncertain significance (2). Last evaluated 2022-05-21.

Conditions:
Inborn genetic diseases. Identifiers: MedGen C0950123, MeSH D030342.

Allele frequency attached by ClinVar (database versions not stated): gnomAD exomes 0.00001; gnomAD 0.00002; TOPMed 0.00002.
gnomAD v4.1: 5 of 1,528,446 alleles (0.00033%); highest among the groups gnomAD compares: African/African-American, 0.0014%; no homozygotes.

Submissions (2):

Ambry Genetics
Classification: Uncertain significance for Inborn genetic diseases. Last evaluated: 2022-05-21. Review status: criteria provided, single submitter. Criteria: Ambry Variant Classification Scheme 2023. Collection method: clinical testing. Allele origin: germline.
Comment: The p.R294G variant (also known as c.880C>G), located in coding exon 1 of the NEFH gene, results from a C to G substitution at nucleotide position 880. The arginine at codon 294 is replaced by glycine, an amino acid with dissimilar properties. This amino acid position is conserved. In addition, the in silico prediction for this alteration is inconclusive. Since supporting evidence is limited at this time, the clinical significance of this alteration remains unclear.

Labcorp Genetics (formerly Invitae), Labcorp
Classification: Uncertain significance. Last evaluated: 2021-08-03. Review status: criteria provided, single submitter. Criteria: Invitae Variant Classification Sherloc (09022015). Collection method: clinical testing. Allele origin: germline.
Comment: In summary, the available evidence is currently insufficient to determine the role of this variant in disease. Therefore, it has been classified as a Variant of Uncertain Significance. Advanced modeling of protein sequence and biophysical properties (such as structural, functional, and spatial information, amino acid conservation, physicochemical variation, residue mobility, and thermodynamic stability) performed at Invitae indicates that this missense variant is not expected to disrupt NEFH protein function. This variant has not been reported in the literature in individuals affected with NEFH-related conditions. The frequency data for this variant in the population databases is considered unreliable, as metrics indicate insufficient coverage at this position in the ExAC database. This sequence change replaces arginine with glycine at codon 294 of the NEFH protein (p.Arg294Gly). The arginine residue is highly conserved and there is a moderate physicochemical difference between arginine and glycine.

NM_021076.4(NEFH):c.880C>G (p.Arg294Gly)

Gene: NEFH (neurofilament heavy chain; plus strand). Cytogenetic location: 22q12.2.
Variant type: single nucleotide variant.
Coding change: c.880C>G on transcript NM_021076.4 (MANE Select); coding-DNA position 880, C replaced by G.
Protein change: p.Arg294Gly; replaces arginine 294 with glycine.
Molecular consequence: missense variant.
Genome position (GRCh38, 1-based): chr22:29,481,142, C>G. VCF-style: chr22-29481142-C-G. GRCh37 (hg19) VCF-style: chr22-29877131-C-G.
Other names: short protein forms R294G.
Identifiers: ClinVar variation 1419593 (VCV001419593.8), dbSNP rs903741437, ClinGen allele CA323083232.